The following is an entry in ClinVar:

ClinVar aggregate classification (germline): Uncertain significance (1 of 4 stars; one submission).

Submission:

Labcorp Genetics (formerly Invitae), Labcorp
Classification: Uncertain significance. Last evaluated: 2022-06-27. Review status: criteria provided, single submitter. Criteria: Invitae Variant Classification Sherloc (09022015). Collection method: clinical testing. Allele origin: germline.
Comment: In summary, the available evidence is currently insufficient to determine the role of this variant in disease. Therefore, it has been classified as a Variant of Uncertain Significance. Experimental studies and prediction algorithms are not available or were not evaluated, and the functional significance of this variant is currently unknown. This variant has not been reported in the literature in individuals affected with RNU4ATAC-related conditions. This variant is not present in population databases (gnomAD no frequency). This variant occurs in the RNU4ATAC gene, which encodes an RNA molecule that does not result in a protein product.

NR_023343.3(RNU4ATAC):n.75delA

Genes: CLASP1 (cytoplasmic linker associated protein 1; minus strand), CLASP1-AS1 (CLASP1 antisense RNA 1; plus strand), RNU4ATAC (RNA, U4atac small nuclear; plus strand). Cytogenetic location: 2q14.2.
Variant type: Deletion.
Molecular consequence: intron variant (on NM_001395891.1).
Genome position: GRCh38 VCF-style: chr2-121530952-CA-C. GRCh37 (hg19) VCF-style: chr2-122288528-CA-C.
Other names: c.196-628del (NM_001142274.2, NM_015282.3, NM_001378003.1 and 5 more transcripts).
Identifiers: ClinVar variation 1480357 (VCV001480357.6), dbSNP rs1167496773, ClinGen allele CA756092139.